The following is an entry in ClinVar:

NM_016824.5(ADD3):c.1560A>G (p.Gly520=)

Gene: ADD3 (adducin 3; plus strand). Cytogenetic location: 10q25.2.
Variant type: single nucleotide variant.
Coding change: c.1560A>G on transcript NM_016824.5 (MANE Select); coding-DNA position 1560, A replaced by G.
Protein change: p.Gly520=; no amino-acid change (glycine 520 retained).
Molecular consequence: synonymous variant.
Genome position (GRCh38, 1-based): chr10:110,126,455, A>G. VCF-style: chr10-110126455-A-G. GRCh37 (hg19) VCF-style: chr10-111886213-A-G.
Other names: c.1560A>G, p.Gly520= (NM_001121.4, NM_001320591.2, NM_001320592.2 and 2 more transcripts); c.1326A>G, p.Gly442= (NM_001320594.2).
Identifiers: ClinVar variation 3051218 (VCV003051218.2), dbSNP rs754743252, ClinGen allele CA5686653.

ClinVar aggregate classification (germline): Likely benign (0 of 4 stars; one submission).

Conditions:
ADD3-related disorder. Also called: ADD3-related condition.

Allele frequency attached by ClinVar (database versions not stated): ExAC 0.00002; gnomAD 0.00002; TOPMed 0.00007; gnomAD exomes 0.00016.
gnomAD v4.1: 227 of 1,613,604 alleles (0.014%); highest among the groups gnomAD compares: Non-Finnish European, 0.019%; no homozygotes.

Submission:

PreventionGenetics, part of Exact Sciences
Classification: Likely benign for ADD3-related condition. Last evaluated: 2020-02-11. Review status: no assertion criteria provided. Collection method: clinical testing. Allele origin: germline.
Comment: This variant is classified as likely benign based on ACMG/AMP sequence variant interpretation guidelines (Richards et al. 2015 PMID: 25741868, with internal and published modifications).